The following is an entry in ClinVar:

ClinVar aggregate classification (germline): Uncertain significance (1 of 4 stars; one submission).

Conditions:
Developmental delay, impaired speech, and behavioral abnormalities, with or without seizures (DEDISB). Identifiers: MedGen C5575272, MONDO:0859263, OMIM 619964.

Submission:

Laboratorio de Genetica e Diagnostico Molecular, Hospital Israelita Albert Einstein
Classification: Uncertain significance for Developmental delay, impaired speech, and behavioral abnormalities, with or without seizures. Last evaluated: 2024-02-25. Review status: criteria provided, single submitter. Criteria: ACMG Guidelines, 2015. Collection method: clinical testing. Allele origin: germline. Affected: yes.
Comment: ACMG classification criteria: PM2 supporting, PP3 supporting

NM_006421.5(ARFGEF1):c.3536G>A (p.Arg1179Lys)

Gene: ARFGEF1 (ARF guanine nucleotide exchange factor 1; minus strand). Cytogenetic location: 8q13.2.
Variant type: single nucleotide variant.
Coding change: c.3536G>A on transcript NM_006421.5 (MANE Select); coding-DNA position 3536, G replaced by A.
Protein change: p.Arg1179Lys; replaces arginine 1179 with lysine.
Molecular consequence: missense variant. On other transcripts: non-coding transcript variant (1).
Genome position (GRCh38, 1-based): chr8:67,228,018, C>T on the plus strand (G>A on the coding strand, the complement: ARFGEF1 is on the minus strand). VCF-style: chr8-67228018-C-T. GRCh37 (hg19) VCF-style: chr8-68140253-C-T.
Other names: c.3536G>A, p.Arg1179Lys (NM_001413184.1, NM_001413185.1, NM_001413186.1 and 6 more transcripts); c.2936G>A, p.Arg979Lys (NM_001413188.1, NM_001413193.1, NM_001413197.1); c.3530G>A, p.Arg1177Lys (NM_001413190.1); c.2111G>A, p.Arg704Lys (NM_001413196.1); short protein forms R1177K, R1179K, R704K, R979K.
Identifiers: ClinVar variation 3901062 (VCV003901062.1).
Genomic context (GRCh38, chr8:67,228,018, plus strand): 5'-AATACCTTATTAAAATGATCTCCAATAACTTCCCAAATTCGAGACCACTGTAATCTTATT[C>T]TTCCCATGTTGTAATATGATATTTCTACTATTTTTTGTAGACTAAACATTCTTGGGTGTG-3'
Protein context (NP_006412.2, residues 1169-1189): IVEISYYNMG[Arg1179Lys]IRLQWSRIWE